The following is an entry in ClinVar:

ClinVar aggregate classification (germline): Uncertain significance (1 of 4 stars; one submission).

Submission:

Greenwood Genetic Center Diagnostic Laboratories, Greenwood Genetic Center
Classification: Uncertain significance. Last evaluated: 2024-05-23. Review status: criteria provided, single submitter. Criteria: ACMG Guidelines, 2015. Collection method: clinical testing. Allele origin: germline. Affected: yes.
Comment: Gene of Uncertain Significance

NM_001704.3(ADGRB3):c.139del (p.Met47fs)

Gene: ADGRB3 (adhesion G protein-coupled receptor B3; plus strand). Cytogenetic location: 6q12.
Variant type: Deletion.
Coding change: c.139del on transcript NM_001704.3 (MANE Select); coding-DNA position 139, one base deleted (A; older notation c.139delA).
Protein change: p.Met47fs; shifts the reading frame from methionine 47.
Molecular consequence: frameshift variant.
Genome position (GRCh38, 1-based): chr6:68,638,814, A deleted; the last of 3 consecutive A bases (chr6:68,638,812-68,638,814); deleting any one gives the same sequence. VCF-style (leftmost placement, unchanged base first): chr6-68638811-GA-G. GRCh37 (hg19) VCF-style: chr6-69348703-GA-G.
Other names: short protein forms M47fs.
Identifiers: ClinVar variation 3338524 (VCV003338524.1).